The following is an entry in ClinVar:

ClinVar aggregate classification (germline): Benign/Likely benign (0 of 4 stars; one submission).

Submission:

ISCA Site 6
Classification: Benign/Likely benign. Review status: no assertion criteria provided. Collection method: clinical testing. Allele origin: unknown. Affected: yes. Observed: 11 variant alleles. Clinical features observed: Developmental delay AND/OR other significant developmental or morphological phenotypes.
Comment: Likely benign (9), Benign (2)

Copy number variation identified through the course of routine clinical cytogenomic testing in postnatal populations, with clinical assertions as classified by the original submitter. For data from the original published study, Kaminsky, et al. 2011 (PubMed 21844811), please see nstd101.

GRCh37/hg19 15q13.3(chr15:32024132-32418220)x3

Gene: CHRNA7 (cholinergic receptor nicotinic alpha 7 subunit). Cytogenetic location: 15q13.3.
Variant type: copy number gain.
Change: copy number 3 (three copies instead of two) of chr15:32,024,132-32,418,220 (394.1 kb, GRCh37 coordinates, 1-based), cytogenetic band 15q13.3.
Identifiers: ClinVar variation 395303 (VCV000395303.3).